The following is an entry in ClinVar:

ClinVar aggregate classification (germline): Uncertain significance (1 of 4 stars; one submission).

Submission:

GeneDx
Classification: Uncertain significance. Last evaluated: 2024-09-04. Review status: criteria provided, single submitter. Criteria: GeneDx Variant Classification Process June 2021. Collection method: clinical testing. Allele origin: germline. Affected: yes.
Comment: Not observed at significant frequency in large population cohorts (gnomAD); In-frame insertion of 23 amino acids with an unclear effect on protein function; Has not been previously published as pathogenic or benign to our knowledge

NM_031407.7(HUWE1):c.7243_7311dup (p.Glu2437_Glu2438insHisThrGlnGluGluAspSerSerGlySerAsnGluAspGluAspAspSerGlnAspGluGluGluGlu)

Genes: HUWE1 (HECT, UBA and WWE domain containing E3 ubiquitin protein ligase 1; minus strand), LOC126863262 (MED14-independent group 3 enhancer GRCh37_chrX:53588722-53589921; plus strand). Cytogenetic location: Xp11.22.
Variant type: Duplication.
Coding change: c.7243_7311dup on transcript NM_031407.7 (MANE Select); coding-DNA positions 7243 to 7311, 69 bases duplicated.
Protein change: p.Glu2437_Glu2438insHisThrGlnGluGluAspSerSerGlySerAsnGluAspGluAspAspSerGlnAspGluGluGluGlu.
Genome position (GRCh38, 1-based): chrX:53,562,138-53,562,206, 69 bases duplicated. GRCh37 (hg19): chrX:53,589,108-53,589,176.
Identifiers: ClinVar variation 3767677 (VCV003767677.1).